The following is an entry in ClinVar:

NM_005592.4(MUSK):c.1991A>G (p.Asn664Ser)

Gene: MUSK (muscle associated receptor tyrosine kinase; plus strand). Cytogenetic location: 9q31.3.
Variant type: single nucleotide variant.
Coding change: c.1991A>G on transcript NM_005592.4 (MANE Select); coding-DNA position 1991, A replaced by G.
Protein change: p.Asn664Ser; replaces asparagine 664 with serine.
Molecular consequence: missense variant.
Genome position (GRCh38, 1-based): chr9:110,800,369, A>G. VCF-style: chr9-110800369-A-G. GRCh37 (hg19) VCF-style: chr9-113562649-A-G.
Other names: c.1733A>G, p.Asn578Ser (NM_001166280.2); c.1703A>G, p.Asn568Ser (NM_001166281.2); c.731A>G, p.Asn244Ser (NM_001369398.1); short protein forms N664S, N578S, N244S, N568S.
Identifiers: ClinVar variation 259806 (VCV000259806.42), dbSNP rs55963442, ClinGen allele CA5184544.

ClinVar aggregate classification (germline): Benign/Likely benign. Review status: criteria provided, multiple submitters, no conflicts (2 of 4 stars). 8 submissions from 8 submitters: Benign (7); Likely benign (1). Last evaluated 2026-02-02.

Conditions:
Congenital myasthenic syndrome 9. Also called: Myasthenic syndrome, congenital, 9, associated with acetylcholine receptor deficiency. Identifiers: Orphanet 590, MedGen C4225368, MONDO:0014587, OMIM 616325.
Fetal akinesia deformation sequence 1 (FADS1). Also called: Fetal akinesia sequence; Pena-Shokeir syndrome type I. Identifiers: Orphanet 994, MedGen C1276035, MONDO:0100101, OMIM 208150, HP:0001989.

Allele frequency attached by ClinVar (database versions not stated): 1000 Genomes Project 30x 0.00734; 1000 Genomes Project 0.00759; TOPMed 0.00759; gnomAD 0.00777 and 0.00815; ESP Exome Variant Server 0.01007.
gnomAD v4.1: 17,722 of 1,613,820 alleles (1.1%); highest among the groups gnomAD compares: East Asian, 2.6%; 162 homozygotes.

Submissions (8):

Labcorp Genetics (formerly Invitae), Labcorp
Classification: Benign for Congenital myasthenic syndrome 9; Fetal akinesia deformation sequence 1. Last evaluated: 2026-02-02. Review status: criteria provided, single submitter. Criteria: Invitae Variant Classification Sherloc (09022015). Collection method: clinical testing. Allele origin: germline.

CeGaT Center for Human Genetics Tuebingen
Classification: Benign. Last evaluated: 2024-07-01. Review status: criteria provided, single submitter. Criteria: CeGaT Center For Human Genetics Tuebingen Variant Classification Criteria Version 2. Collection method: clinical testing. Allele origin: germline. Affected: yes. Observed: 7 variant alleles.
Comment: MUSK: BS1, BS2

Mayo Clinic Laboratories, Mayo Clinic
Classification: Benign. Last evaluated: 2023-08-17. Review status: criteria provided, single submitter. Criteria: ACMG Guidelines, 2015. Collection method: clinical testing. Allele origin: germline. Observed: 7 variant alleles.

Fulgent Genetics
Classification: Likely benign for Fetal akinesia deformation sequence 1; Congenital myasthenic syndrome 9. Last evaluated: 2022-03-02. Review status: criteria provided, single submitter. Criteria: ACMG Guidelines, 2015. Collection method: clinical testing. Allele origin: unknown.

Illumina Laboratory Services, Illumina
Classification: Benign for Congenital myasthenic syndrome 9. Last evaluated: 2017-04-27. Review status: criteria provided, single submitter. Criteria: ICSL Variant Classification Criteria 13 December 2019. Collection method: clinical testing. Allele origin: germline.
Comment: This variant was observed as part of a predisposition screen in an ostensibly healthy population. A literature search was performed for the gene, cDNA change, and amino acid change (where applicable). Publications were found based on this search. The evidence from the literature, in combination with allele frequency data from public databases where available, was sufficient to rule this variant out of causing disease. Therefore, this variant is classified as benign.

GeneDx
Classification: Benign. Last evaluated: 2016-06-29. Review status: criteria provided, single submitter. Criteria: GeneDx Variant Classification (06012015). Collection method: clinical testing. Allele origin: germline. Affected: yes.
Comment: This variant is considered likely benign or benign based on one or more of the following criteria: it is a conservative change, it occurs at a poorly conserved position in the protein, it is predicted to be benign by multiple in silico algorithms, and/or has population frequency not consistent with disease.

PreventionGenetics, part of Exact Sciences
Classification: Benign. Last evaluated: 2016-04-07. Review status: criteria provided, single submitter. Criteria: ACMG Guidelines, 2015. Collection method: clinical testing. Allele origin: germline.

Breakthrough Genomics
Classification: Benign. Review status: criteria provided, single submitter. Criteria: ACMG Guidelines, 2015. Collection method: not provided. Allele origin: germline. Inheritance: Autosomal recessive inheritance. Affected: yes.

Literature cited by the submitters: PubMed 15184594 (cited by Illumina Laboratory Services, Illumina).